The following is an entry in ClinVar:

ClinVar aggregate classification (germline): Uncertain significance (1 of 4 stars; one submission).

Submission:

Labcorp Genetics (formerly Invitae), Labcorp
Classification: Uncertain significance. Last evaluated: 2022-08-10. Review status: criteria provided, single submitter. Criteria: Invitae Variant Classification Sherloc (09022015). Collection method: clinical testing. Allele origin: germline.
Comment: In summary, the available evidence is currently insufficient to determine the role of this variant in disease. Therefore, it has been classified as a Variant of Uncertain Significance. Experimental studies and prediction algorithms are not available or were not evaluated, and the functional significance of this variant is currently unknown. This variant has not been reported in the literature in individuals affected with MYH9-related conditions. This variant results in a copy number gain of the genomic region encompassing exon(s) 2 of the MYH9 gene. This region includes the initiator codon of the gene. This copy number gain extends beyond the assayed region for this gene and therefore may encompass additional genes. As the precise location of this event is unknown, it may be in tandem or it may be located elsewhere in the genome.

NC_000022.10:g.(?_36744929)_(36745281_?)dup

Gene: MYH9 (myosin heavy chain 9; minus strand). Cytogenetic location: 22q12.3.
Variant type: Duplication.
Identifiers: ClinVar variation 2424461 (VCV002424461.4).